The following is an entry in ClinVar:

NM_001370298.3(FGD4):c.*27G>A

Gene: FGD4 (FYVE, RhoGEF and PH domain containing 4; plus strand). Cytogenetic location: 12p11.21.
Variant type: single nucleotide variant.
Coding change: c.*27G>A on transcript NM_001370298.3 (MANE Select); 27 bases downstream of the stop codon, G replaced by A.
Molecular consequence: 3 prime UTR variant. On other transcripts: intron variant (3).
Genome position (GRCh38, 1-based): chr12:32,640,560, G>A. VCF-style: chr12-32640560-G-A. GRCh37 (hg19) VCF-style: chr12-32793494-G-A.
Other names: c.*27G>A (NM_001304481.2, NM_001304484.2, NM_001330373.2 and 5 more transcripts); c.2632+107G>A (NM_001384126.1); c.2221+107G>A (NM_001384127.1, NM_001384128.1).
Identifiers: ClinVar variation 883731 (VCV000883731.7), dbSNP rs150192477, ClinGen allele CA6507153.

ClinVar aggregate classification (germline): Benign/Likely benign. Review status: criteria provided, multiple submitters, no conflicts (2 of 4 stars). 2 submissions from 2 submitters: Benign (1); Likely benign (1). Last evaluated 2018-10-25.

Conditions:
Charcot-Marie-Tooth disease type 4H (CMT4H). Also called: CHARCOT-MARIE-TOOTH DISEASE, AUTOSOMAL RECESSIVE, TYPE 4H; CHARCOT-MARIE-TOOTH DISEASE, DEMYELINATING, AUTOSOMAL RECESSIVE, TYPE 4H; CHARCOT-MARIE-TOOTH NEUROPATHY, TYPE 4H; CHARCOT-MARIE-TOOTH DISEASE, DEMYELINATING, TYPE 4H. Identifiers: Orphanet 99954, MedGen C1836336, MONDO:0012250, OMIM 609311.

Allele frequency attached by ClinVar (database versions not stated): gnomAD exomes 0.00038 and 0.00116; ExAC 0.00150; gnomAD 0.00436 and 0.00475; ESP Exome Variant Server 0.00446; 1000 Genomes Project 0.00459; TOPMed 0.00480; 1000 Genomes Project 30x 0.00515.

Submissions (2):

GeneDx
Classification: Likely benign. Last evaluated: 2018-10-25. Review status: criteria provided, single submitter. Criteria: GeneDx Variant Classification Process June 2021. Collection method: clinical testing. Allele origin: germline. Affected: yes.

Illumina Laboratory Services, Illumina
Classification: Benign for Charcot-Marie-Tooth disease type 4H. Last evaluated: 2018-01-13. Review status: criteria provided, single submitter. Criteria: ICSL Variant Classification Criteria 13 December 2019. Collection method: clinical testing. Allele origin: germline.
Comment: This variant was observed in the ICSL laboratory as part of a predisposition screen in an ostensibly healthy population. It had not been previously curated by ICSL or reported in the Human Gene Mutation Database (HGMD: prior to June 1st, 2018), and was therefore a candidate for classification through an automated scoring system. Utilizing variant allele frequency, disease prevalence and penetrance estimates, and inheritance mode, an automated score was calculated to assess if this variant is too frequent to cause the disease. Based on the score and internal cut-off values, a variant classified as benign is not then subjected to further curation. The score for this variant resulted in a classification of benign for this disease.